The following is an entry in ClinVar:

NM_024580.6(EFL1):c.315C>T (p.Thr105=)

Gene: EFL1 (elongation factor like GTPase 1; minus strand). Cytogenetic location: 15q25.2.
Variant type: single nucleotide variant.
Coding change: c.315C>T on transcript NM_024580.6 (MANE Select); coding-DNA position 315, C replaced by T.
Protein change: p.Thr105=; no amino-acid change (threonine 105 retained).
Molecular consequence: synonymous variant. On other transcripts: 5 prime UTR variant (1), non-coding transcript variant (1).
Genome position (GRCh38, 1-based): chr15:82,241,333, G>A on the plus strand (C>T on the coding strand, the complement: EFL1 is on the minus strand). VCF-style: chr15-82241333-G-A. GRCh37 (hg19) VCF-style: chr15-82533674-G-A.
Other names: c.162C>T, p.Thr54= (NM_001040610.3); c.-475C>T (NM_001322844.2); c.315C>T, p.Thr105= (NM_001322845.2); c.315C>T (NM_024580.5).
Identifiers: ClinVar variation 1169034 (VCV001169034.11), dbSNP rs201679284, ClinGen allele CA7698310.
Genomic context (GRCh38, chr15:82,241,333, plus strand): 5'-TGGACAGACTCCTTCCACAGCATCTACCACAATGATGCATCCATCACAAATGCGAACAGC[G>A]GTTGATACTTCTGAGGAAAAGTCCACGTGTCCTGGAGAGTCTATCAGATTGATCAGGTAC-3'
Protein context (NP_078856.4, residues 95-115): GHVDFSSEVS[Thr105=]AVRICDGCII

ClinVar aggregate classification (germline): Benign. Review status: criteria provided, single submitter (1 of 4 stars). 2 submissions from 2 submitters: Benign (1). 1 of the submissions does not count toward it. Last evaluated 2025-12-29.

Conditions:
EFL1-related disorder. Also called: EFL1-related condition.

Allele frequency attached by ClinVar (database versions not stated): ESP Exome Variant Server 0.00008; TOPMed 0.00009; ExAC 0.00012; gnomAD 0.00013 and 0.00014; gnomAD exomes 0.00020.
gnomAD v4.1: 191 of 1,613,796 alleles (0.012%); highest among the groups gnomAD compares: Middle Eastern, 0.016%; no homozygotes.

Submissions (2):

Labcorp Genetics (formerly Invitae), Labcorp
Classification: Benign. Last evaluated: 2025-12-29. Review status: criteria provided, single submitter. Criteria: Invitae Variant Classification Sherloc (09022015). Collection method: clinical testing. Allele origin: germline.

PreventionGenetics, part of Exact Sciences
Classification: Likely benign for EFL1-related condition. Last evaluated: 2019-05-15. Review status: no assertion criteria provided. Collection method: clinical testing. Allele origin: germline. Not counted in ClinVar's aggregate classification.
Comment: This variant is classified as likely benign based on ACMG/AMP sequence variant interpretation guidelines (Richards et al. 2015 PMID: 25741868, with internal and published modifications).